The following is an entry in ClinVar:

ClinVar aggregate classification (germline): Uncertain significance (1 of 4 stars; one submission).

Submission:

Greenwood Genetic Center Diagnostic Laboratories, Greenwood Genetic Center
Classification: Uncertain significance. Last evaluated: 2022-06-13. Review status: criteria provided, single submitter. Criteria: ACMG Guidelines, 2015. Collection method: clinical testing. Allele origin: germline. Affected: yes.
Comment: PM2

NM_001846.4(COL4A2):c.1029A>T (p.Pro343=)

Gene: COL4A2 (collagen type IV alpha 2 chain; plus strand). Cytogenetic location: 13q34.
Variant type: single nucleotide variant.
Coding change: c.1029A>T on transcript NM_001846.4 (MANE Select); coding-DNA position 1029, A replaced by T.
Protein change: p.Pro343=; no amino-acid change (proline 343 retained).
Molecular consequence: synonymous variant.
Genome position (GRCh38, 1-based): chr13:110,446,815, A>T. VCF-style: chr13-110446815-A-T. GRCh37 (hg19) VCF-style: chr13-111099162-A-T.
Identifiers: ClinVar variation 1703104 (VCV001703104.3), dbSNP rs2502088602, ClinGen allele CA484793147.